The following is an entry in ClinVar:

NM_000540.3(RYR1):c.5812C>T (p.Gln1938Ter)

Gene: RYR1 (ryanodine receptor 1; plus strand). Cytogenetic location: 19q13.2.
Variant type: single nucleotide variant.
Coding change: c.5812C>T on transcript NM_000540.3 (MANE Select); coding-DNA position 5812, C replaced by T.
Protein change: p.Gln1938Ter; replaces glutamine 1938 with a stop codon.
Molecular consequence: nonsense.
Genome position (GRCh38, 1-based): chr19:38,489,441, C>T. VCF-style: chr19-38489441-C-T. GRCh37 (hg19) VCF-style: chr19-38980081-C-T.
Other names: c.5812C>T, p.Gln1938Ter (NM_001042723.2); short protein forms Q1938*.
Identifiers: ClinVar variation 2052609 (VCV002052609.4), dbSNP rs2514247207, ClinGen allele CA405660171.

ClinVar aggregate classification (germline): Pathogenic (1 of 4 stars; one submission).

Conditions:
RYR1-related disorder. Also called: RYR1-related condition; RYR1-related disorders. Identifiers: MedGen CN239331.

Allele frequency attached by ClinVar (database versions not stated): gnomAD exomes below 0.00001.
gnomAD v4.1: 2 of 1,613,948 alleles (0.00012%); highest among the groups gnomAD compares: East Asian, 0.0045%; no homozygotes.

Submission:

Labcorp Genetics (formerly Invitae), Labcorp
Classification: Pathogenic for RYR1-related disorder. Last evaluated: 2021-12-22. Review status: criteria provided, single submitter. Criteria: Invitae Variant Classification Sherloc (09022015). Collection method: clinical testing. Allele origin: germline.
Comment: For these reasons, this variant has been classified as Pathogenic. This variant has not been reported in the literature in individuals affected with RYR1-related conditions. This variant is not present in population databases (gnomAD no frequency). This sequence change creates a premature translational stop signal (p.Gln1938*) in the RYR1 gene. It is expected to result in an absent or disrupted protein product. Loss-of-function variants in RYR1 are known to be pathogenic (PMID: 20583297, 20839240, 23919265, 28818389).

Literature cited by the submitters: PubMed 20583297; PubMed 20839240; PubMed 23919265; PubMed 28818389.